The following is an entry in ClinVar:

ClinVar aggregate classification (germline): Uncertain significance (1 of 4 stars; one submission).

Conditions:
Charcot-Marie-Tooth disease type 2. Also called: Charcot-Marie-Tooth type 2. Identifiers: Orphanet 64746, MedGen C0270914, MONDO:0018993.

Submission:

Labcorp Genetics (formerly Invitae), Labcorp
Classification: Uncertain significance for Charcot-Marie-Tooth disease type 2. Last evaluated: 2022-07-05. Review status: criteria provided, single submitter. Criteria: Invitae Variant Classification Sherloc (09022015). Collection method: clinical testing. Allele origin: germline.
Comment: In summary, the available evidence is currently insufficient to determine the role of this variant in disease. Therefore, it has been classified as a Variant of Uncertain Significance. Algorithms developed to predict the effect of missense changes on protein structure and function (SIFT, PolyPhen-2, Align-GVGD) all suggest that this variant is likely to be tolerated. This variant has not been reported in the literature in individuals affected with MED25-related conditions. This variant is not present in population databases (gnomAD no frequency). This sequence change replaces glutamine, which is neutral and polar, with lysine, which is basic and polar, at codon 455 of the MED25 protein (p.Gln455Lys).

NM_030973.4(MED25):c.1363C>A (p.Gln455Lys)

Gene: MED25 (mediator complex subunit 25; plus strand). Cytogenetic location: 19q13.33.
Variant type: single nucleotide variant.
Coding change: c.1363C>A on transcript NM_030973.4 (MANE Select); coding-DNA position 1363, C replaced by A.
Protein change: p.Gln455Lys; replaces glutamine 455 with lysine.
Molecular consequence: missense variant.
Genome position (GRCh38, 1-based): chr19:49,832,146, C>A. VCF-style: chr19-49832146-C-A. GRCh37 (hg19) VCF-style: chr19-50335403-C-A.
Other names: c.1363C>A, p.Gln455Lys (NM_001378355.1); short protein forms Q455K.
Identifiers: ClinVar variation 2014284 (VCV002014284.4), dbSNP rs2123882500, ClinGen allele CA406917238.